The following is an entry in ClinVar:

ClinVar aggregate classification (germline): Likely benign. Review status: criteria provided, multiple submitters, no conflicts (2 of 4 stars). 2 submissions from 2 submitters: Likely benign (2). Last evaluated 2023-05-04.

Conditions:
Wilson disease (WND). Also called: Wilson's disease. Identifiers: Orphanet 905, MedGen C0019202, MONDO:0010200, OMIM 277900. Disease mechanism: loss of function.

Allele frequency attached by ClinVar (database versions not stated): gnomAD exomes below 0.00001; ExAC 0.00002.
gnomAD v4.1: 2 of 1,613,866 alleles (0.00012%); highest among the groups gnomAD compares: South Asian, 0.0011%; no homozygotes.

Submissions (2):

All of Us Research Program, National Institutes of Health
Classification: Likely benign for Wilson disease. Last evaluated: 2023-05-04. Review status: criteria provided, single submitter. Criteria: ACMG Guidelines, 2015. Collection method: clinical testing. Allele origin: germline. Inheritance: Autosomal recessive inheritance. Observed: 1 variant allele, 1 heterozygote.
Comment: This study involves interpretation of variants in research participants for the purpose of population health screening. Participant phenotype was not available at the time of variant classification. Additional details can be found in publication PMID: 35346344, PMCID: PMC8962531

Labcorp Genetics (formerly Invitae), Labcorp
Classification: Likely benign for Wilson disease. Last evaluated: 2022-06-09. Review status: criteria provided, single submitter. Criteria: Invitae Variant Classification Sherloc (09022015). Collection method: clinical testing. Allele origin: germline.

NM_000053.4(ATP7B):c.4164G>A (p.Ala1388=)

Gene: ATP7B (ATPase copper transporting beta; minus strand). Cytogenetic location: 13q14.3.
Variant type: single nucleotide variant.
Coding change: c.4164G>A on transcript NM_000053.4 (MANE Select); coding-DNA position 4164, G replaced by A.
Protein change: p.Ala1388=; no amino-acid change (alanine 1388 retained).
Molecular consequence: synonymous variant.
Genome position (GRCh38, 1-based): chr13:51,934,990, C>T on the plus strand (G>A on the coding strand, the complement: ATP7B is on the minus strand). VCF-style: chr13-51934990-C-T. GRCh37 (hg19) VCF-style: chr13-52509126-C-T.
Other names: c.3543G>A, p.Ala1181= (NM_001005918.3); c.3831G>A, p.Ala1277= (NM_001243182.2); c.3930G>A, p.Ala1310= (NM_001330578.2); c.3912G>A, p.Ala1304= (NM_001330579.2).
Identifiers: ClinVar variation 1631237 (VCV001631237.9), dbSNP rs756826065, ClinGen allele CA6988465.